The following is an entry in ClinVar:

ClinVar aggregate classification (germline): Uncertain significance (1 of 4 stars; one submission).

Conditions:
Hypertrophic cardiomyopathy 11. Also called: ACTC1-Related Familial Hypertrophic Cardiomyopathy. Identifiers: MedGen C2677506, MONDO:0012799, OMIM 612098.
Dilated cardiomyopathy 1R (CMD1R). Identifiers: Orphanet 154, Orphanet 54260, MedGen C3150681, MONDO:0013261, OMIM 613424.
Atrial septal defect 5 (ASD5). Identifiers: Orphanet 1478, MedGen C2748552, MONDO:0013011, OMIM 612794.

Submission:

Labcorp Genetics (formerly Invitae), Labcorp
Classification: Uncertain significance for Dilated cardiomyopathy 1R; Hypertrophic cardiomyopathy 11; Atrial septal defect 5. Last evaluated: 2022-11-29. Review status: criteria provided, single submitter. Criteria: Invitae Variant Classification Sherloc (09022015). Collection method: clinical testing. Allele origin: germline.
Comment: This sequence change replaces alanine, which is neutral and non-polar, with valine, which is neutral and non-polar, at codon 99 of the ACTC1 protein (p.Ala99Val). This variant has not been reported in the literature in individuals affected with ACTC1-related conditions. This variant is not present in population databases (gnomAD no frequency). Advanced modeling of protein sequence and biophysical properties (such as structural, functional, and spatial information, amino acid conservation, physicochemical variation, residue mobility, and thermodynamic stability) performed at Invitae indicates that this missense variant is not expected to disrupt ACTC1 protein function. In summary, the available evidence is currently insufficient to determine the role of this variant in disease. Therefore, it has been classified as a Variant of Uncertain Significance.

NM_005159.5(ACTC1):c.296C>T (p.Ala99Val)

Genes: ACTC1 (actin alpha cardiac muscle 1; minus strand), GJD2-DT (GJD2 divergent transcript; plus strand). Cytogenetic location: 15q14.
Variant type: single nucleotide variant.
Coding change: c.296C>T on transcript NM_005159.5 (MANE Select); coding-DNA position 296, C replaced by T.
Protein change: p.Ala99Val; replaces alanine 99 with valine.
Molecular consequence: missense variant. On other transcripts: 5 prime UTR variant (1).
Genome position (GRCh38, 1-based): chr15:34,793,403, G>A on the plus strand (C>T on the coding strand, the complement: ACTC1 is on the minus strand). VCF-style: chr15-34793403-G-A. GRCh37 (hg19) VCF-style: chr15-35085604-G-A.
Other names: c.296C>T, p.Ala99Val (NM_001406482.1, NM_001406483.1); c.161C>T, p.Ala54Val (NM_001406484.1); c.-93C>T (NM_001406485.1); short protein forms A99V, A54V.
Identifiers: ClinVar variation 2941506 (VCV002941506.3), dbSNP rs2504182948, ClinGen allele CA391631547.